The following is an entry in ClinVar:

ClinVar aggregate classification (germline): Uncertain significance (1 of 4 stars; one submission).

Conditions:
Cardiovascular phenotype. Identifiers: MedGen CN230736.

gnomAD v4.1: 5 of 1,613,700 alleles (0.00031%); highest among the groups gnomAD compares: Middle Eastern, 0.016%; no homozygotes.

Submission:

Ambry Genetics
Classification: Uncertain significance for Cardiovascular phenotype. Last evaluated: 2025-01-19. Review status: criteria provided, single submitter. Criteria: Ambry Variant Classification Scheme 2023. Collection method: clinical testing. Allele origin: germline.
Comment: The p.P78T variant (also known as c.232C>A), located in coding exon 1 of the SCN10A gene, results from a C to A substitution at nucleotide position 232. The proline at codon 78 is replaced by threonine, an amino acid with highly similar properties. This amino acid position is conserved. In addition, this alteration is predicted to be deleterious by in silico analysis. Based on the available evidence, the clinical significance of this variant remains unclear.

NM_006514.4(SCN10A):c.232C>A (p.Pro78Thr)

Gene: SCN10A (sodium voltage-gated channel alpha subunit 10; minus strand). Cytogenetic location: 3p22.2.
Variant type: single nucleotide variant.
Coding change: c.232C>A on transcript NM_006514.4 (MANE Select); coding-DNA position 232, C replaced by A.
Protein change: p.Pro78Thr; replaces proline 78 with threonine.
Molecular consequence: missense variant.
Genome position (GRCh38, 1-based): chr3:38,793,779, G>T on the plus strand (C>A on the coding strand, the complement: SCN10A is on the minus strand). VCF-style: chr3-38793779-G-T. GRCh37 (hg19) VCF-style: chr3-38835270-G-T.
Other names: c.232C>A, p.Pro78Thr (NM_001293306.2, NM_001293307.2); short protein forms P78T.
Identifiers: ClinVar variation 3793143 (VCV003793143.1).